The following is an entry in ClinVar:

NM_000245.4(MET):c.2201G>A (p.Ser734Asn)

Gene: MET (MET proto-oncogene, receptor tyrosine kinase; plus strand). Cytogenetic location: 7q31.2.
Variant type: single nucleotide variant.
Coding change: c.2201G>A on transcript NM_000245.4 (MANE Select); coding-DNA position 2201, G replaced by A.
Protein change: p.Ser734Asn; replaces serine 734 with asparagine.
Molecular consequence: missense variant.
Genome position (GRCh38, 1-based): chr7:116,758,557, G>A. VCF-style: chr7-116758557-G-A. GRCh37 (hg19) VCF-style: chr7-116398611-G-A.
Other names: c.2201G>A, p.Ser734Asn (NM_001127500.3, NM_001324401.3); c.911G>A, p.Ser304Asn (NM_001324402.2); short protein forms S304N, S734N.
Identifiers: ClinVar variation 2186291 (VCV002186291.4), dbSNP rs2116931801, ClinGen allele CA368980704.

ClinVar aggregate classification (germline): Uncertain significance (1 of 4 stars; one submission).

Conditions:
Renal cell carcinoma. Identifiers: Orphanet 217071, MedGen C0007134, MeSH D002292, MONDO:0005086, HP:0005584.

Allele frequency attached by ClinVar (database versions not stated): gnomAD exomes below 0.00001.
gnomAD v4.1: 1 of 1,613,804 alleles (0.000062%); highest among the groups gnomAD compares: Non-Finnish European, 0.000085%; no homozygotes.

Submission:

Labcorp Genetics (formerly Invitae), Labcorp
Classification: Uncertain significance for Renal cell carcinoma. Last evaluated: 2022-08-26. Review status: criteria provided, single submitter. Criteria: Invitae Variant Classification Sherloc (09022015). Collection method: clinical testing. Allele origin: germline.
Comment: This variant is not present in population databases (gnomAD no frequency). This variant has not been reported in the literature in individuals affected with MET-related conditions. Algorithms developed to predict the effect of missense changes on protein structure and function output the following: SIFT: "Tolerated"; PolyPhen-2: "Benign"; Align-GVGD: "Class C0". The asparagine amino acid residue is found in multiple mammalian species, which suggests that this missense change does not adversely affect protein function. In summary, the available evidence is currently insufficient to determine the role of this variant in disease. Therefore, it has been classified as a Variant of Uncertain Significance. This sequence change replaces serine, which is neutral and polar, with asparagine, which is neutral and polar, at codon 734 of the MET protein (p.Ser734Asn).